The following is an entry in ClinVar:

NM_000264.5(PTCH1):c.1525G>C (p.Gly509Arg)

Gene: PTCH1 (patched 1; minus strand). Cytogenetic location: 9q22.32.
Variant type: single nucleotide variant.
Coding change: c.1525G>C on transcript NM_000264.5 (MANE Select); coding-DNA position 1525, G replaced by C.
Protein change: p.Gly509Arg; replaces glycine 509 with arginine.
Molecular consequence: missense variant. On other transcripts: non-coding transcript variant (1).
Genome position (GRCh38, 1-based): chr9:95,476,836, C>G on the plus strand (G>C on the coding strand, the complement: PTCH1 is on the minus strand). VCF-style: chr9-95476836-C-G. GRCh37 (hg19) VCF-style: chr9-98239118-C-G.
Other names: c.1327G>C, p.Gly443Arg (NM_001083602.3); c.1522G>C, p.Gly508Arg (NM_001083603.3); c.1072G>C, p.Gly358Arg (NM_001083604.3, NM_001083605.3, NM_001083606.3 and 1 more transcripts); c.1369G>C, p.Gly457Arg (NM_001354918.2); short protein forms G358R, G443R, G457R, G508R, G509R.
Identifiers: ClinVar variation 1072733 (VCV001072733.9), dbSNP rs2118285458, ClinGen allele CA374118312.

ClinVar aggregate classification (germline): Pathogenic (1 of 4 stars; one submission).

Conditions:
Gorlin syndrome. Also called: Basal cell nevus syndrome; Nevoid Basal Cell Carcinoma Syndrome. Identifiers: Orphanet 377, MedGen C0004779, MONDO:0007187.

Allele frequency attached by ClinVar (database versions not stated): gnomAD exomes below 0.00001.
gnomAD v4.1: 1 of 1,614,054 alleles (0.000062%); highest among the groups gnomAD compares: Non-Finnish European, 0.000085%; no homozygotes.

Submission:

Labcorp Genetics (formerly Invitae), Labcorp
Classification: Pathogenic for Gorlin syndrome. Last evaluated: 2020-07-30. Review status: criteria provided, single submitter. Criteria: Invitae Variant Classification Sherloc (09022015). Collection method: clinical testing. Allele origin: germline.
Comment: For these reasons, this variant has been classified as Pathogenic. This variant disrupts the p.Gly509 amino acid residue in PTCH1. Other variant(s) that disrupt this residue have been determined to be pathogenic (PMID: 12655573, 24204797, 16301862, 16088933, 15712338, 15042702, 12192414). This suggests that this residue is clinically significant, and that variants that disrupt this residue are likely to be disease-causing. Advanced modeling of protein sequence and biophysical properties (such as structural, functional, and spatial information, amino acid conservation, physicochemical variation, residue mobility, and thermodynamic stability) performed at Invitae indicates that this missense variant is expected to disrupt PTCH1 protein function. This variant has been observed in individual(s) with basal cell nevus syndrome (PMID: 28596197, 30411536). This variant is not present in population databases (ExAC no frequency). This sequence change replaces glycine with arginine at codon 509 of the PTCH1 protein (p.Gly509Arg). The glycine residue is moderately conserved and there is a moderate physicochemical difference between glycine and arginine.

Literature cited by the submitters: PubMed 12655573; PubMed 24204797; PubMed 16301862; PubMed 16088933; PubMed 15712338; PubMed 15042702; PubMed 12192414; PubMed 28596197; PubMed 30411536.